The following is an entry in ClinVar:

ClinVar aggregate classification (germline): Benign/Likely benign. Review status: criteria provided, multiple submitters, no conflicts (2 of 4 stars). 5 submissions from 5 submitters: Benign (1); Likely benign (4). Last evaluated 2025-08-20.

Conditions:
Hereditary cancer-predisposing syndrome. Also called: Hereditary Cancer Syndrome; Neoplastic Syndromes, Hereditary; Tumor predisposition; Hereditary neoplastic syndrome. Identifiers: Orphanet 140162, MedGen C0027672, MeSH D009386, MONDO:0015356.
Lynch syndrome. Identifiers: Orphanet 144, MedGen C4552100, MONDO:0005835. Disease mechanism: loss of function.
Hereditary nonpolyposis colorectal neoplasms. Identifiers: MedGen C0009405, MeSH D003123.
Lynch syndrome 5 (LYNCH5). Also called: Colorectal cancer, hereditary nonpolyposis, type 5; Hereditary non-polyposis colorectal cancer, type 5. Identifiers: Orphanet 144, MedGen C1833477, MONDO:0013710, OMIM 614350. Disease mechanism: loss of function.

Allele frequency attached by ClinVar (database versions not stated): gnomAD exomes 0.00001.
gnomAD v4.1: 15 of 1,614,176 alleles (0.00093%); highest among the groups gnomAD compares: Non-Finnish European, 0.0013%; no homozygotes.

Submissions (5):

Labcorp Genetics (formerly Invitae), Labcorp
Classification: Likely benign for Hereditary nonpolyposis colorectal neoplasms. Last evaluated: 2025-08-20. Review status: criteria provided, single submitter. Criteria: Invitae Variant Classification Sherloc (09022015). Collection method: clinical testing. Allele origin: germline.

Myriad Genetics, Inc.
Classification: Benign for Lynch syndrome 5. Last evaluated: 2025-01-03. Review status: criteria provided, single submitter. Criteria: Myriad Autosomal Dominant, Autosomal Recessive and X-Linked Classification Criteria (2023). Collection method: clinical testing. Allele origin: unknown.
Comment: This variant is considered benign. This variant is a silent/synonymous amino acid change and it is not expected to impact splicing.

All of Us Research Program, National Institutes of Health
Classification: Likely benign for Lynch syndrome. Last evaluated: 2023-11-30. Review status: criteria provided, single submitter. Criteria: ACMG Guidelines, 2015. Collection method: clinical testing. Allele origin: germline. Inheritance: Autosomal dominant inheritance. Observed: 2 variant alleles, 2 heterozygotes.
Comment: This study involves interpretation of variants in research participants for the purpose of population health screening. Participant phenotype was not available at the time of variant classification. Additional details can be found in publication PMID: 35346344, PMCID: PMC8962531

Color Diagnostics, LLC DBA Color Health
Classification: Likely benign for Hereditary cancer-predisposing syndrome. Last evaluated: 2020-05-11. Review status: criteria provided, single submitter. Criteria: ACMG Guidelines, 2015. Collection method: clinical testing. Allele origin: germline.

Ambry Genetics
Classification: Likely benign for Hereditary cancer-predisposing syndrome. Last evaluated: 2016-02-07. Review status: criteria provided, single submitter. Criteria: Ambry Variant Classification Scheme 2023. Collection method: clinical testing. Allele origin: germline.

NM_000179.3(MSH6):c.2817A>G (p.Gln939=)

Gene: MSH6 (mutS homolog 6; plus strand). Cytogenetic location: 2p16.3.
Variant type: single nucleotide variant.
Coding change: c.2817A>G on transcript NM_000179.3 (MANE Select); coding-DNA position 2817, A replaced by G.
Protein change: p.Gln939=; no amino-acid change (glutamine 939 retained).
Molecular consequence: synonymous variant.
Genome position (GRCh38, 1-based): chr2:47,800,800, A>G. VCF-style: chr2-47800800-A-G. GRCh37 (hg19) VCF-style: chr2-48027939-A-G.
Other names: c.2427A>G, p.Gln809= (NM_001281492.2); c.1911A>G, p.Gln637= (NM_001281493.2, NM_001281494.2).
Identifiers: ClinVar variation 479887 (VCV000479887.18), dbSNP rs1553414180, ClinGen allele CA426121767.